The following is an entry in ClinVar:

NM_001370259.2(MEN1):c.1310C>T (p.Ala437Val)

Gene: MEN1 (menin 1; minus strand). Cytogenetic location: 11q13.1.
Variant type: single nucleotide variant.
Coding change: c.1310C>T on transcript NM_001370259.2 (MANE Select); coding-DNA position 1310, C replaced by T.
Protein change: p.Ala437Val; replaces alanine 437 with valine.
Molecular consequence: missense variant.
Genome position (GRCh38, 1-based): chr11:64,805,074, G>A on the plus strand (C>T on the coding strand, the complement: MEN1 is on the minus strand). VCF-style: chr11-64805074-G-A. GRCh37 (hg19) VCF-style: chr11-64572546-G-A.
Other names: c.1325C>T, p.Ala442Val (NM_000244.4, NM_130800.3, NM_130801.3 and 3 more transcripts); c.1436C>T, p.Ala479Val (NM_001370251.2); c.1310C>T, p.Ala437Val (NM_001370260.2, NM_001370261.2, NM_130799.3); c.1205C>T, p.Ala402Val (NM_001370262.2, NM_001370263.2); short protein forms A437V, A442V, A479V, A402V.
Identifiers: ClinVar variation 485721 (VCV000485721.15), dbSNP rs1555164188, ClinGen allele CA381180212.

ClinVar aggregate classification (germline): Uncertain significance. Review status: criteria provided, multiple submitters, no conflicts (2 of 4 stars). 2 submissions from 2 submitters: Uncertain significance (2). Last evaluated 2026-07-15.

Conditions:
Multiple endocrine neoplasia, type 1 (MEN1). Also called: MEA I; MEN I; WERMER SYNDROME; Endocrine adenomatosis multiple; MEN 1. Identifiers: Orphanet 652, MedGen C0025267, MeSH D018761, MONDO:0007540, OMIM 131100.
Hereditary cancer-predisposing syndrome. Also called: Neoplastic Syndromes, Hereditary; Hereditary neoplastic syndrome; Hereditary Cancer Syndrome; Tumor predisposition. Identifiers: Orphanet 140162, MedGen C0027672, MeSH D009386, MONDO:0015356.

Submissions (2):

Ambry Genetics
Classification: Uncertain significance for Hereditary cancer-predisposing syndrome. Last evaluated: 2026-07-15. Review status: criteria provided, single submitter. Criteria: Ambry Variant Classification Scheme 2023. Collection method: clinical testing. Allele origin: germline.
Comment: The p.A437V variant (also known as c.1310C>T), located in coding exon 8 of the MEN1 gene, results from a C to T substitution at nucleotide position 1310. The alanine at codon 437 is replaced by valine, an amino acid with similar properties. This amino acid position is highly conserved in available vertebrate species. In addition, this alteration is predicted to be deleterious by in silico analysis. Based on the available evidence, the clinical significance of this variant remains unclear.

Labcorp Genetics (formerly Invitae), Labcorp
Classification: Uncertain significance for Multiple endocrine neoplasia, type 1. Last evaluated: 2025-04-30. Review status: criteria provided, single submitter. Criteria: Invitae Variant Classification Sherloc (09022015). Collection method: clinical testing. Allele origin: germline.
Comment: This sequence change replaces alanine, which is neutral and non-polar, with valine, which is neutral and non-polar, at codon 437 of the MEN1 protein (p.Ala437Val). This variant is not present in population databases (gnomAD no frequency). This variant has not been reported in the literature in individuals affected with MEN1-related conditions. ClinVar contains an entry for this variant (Variation ID: 485721). Invitae Evidence Modeling of protein sequence and biophysical properties (such as structural, functional, and spatial information, amino acid conservation, physicochemical variation, residue mobility, and thermodynamic stability) indicates that this missense variant is expected to disrupt MEN1 protein function with a positive predictive value of 95%. In summary, the available evidence is currently insufficient to determine the role of this variant in disease. Therefore, it has been classified as a Variant of Uncertain Significance.